The following is an entry in ClinVar:

NM_001370259.2(MEN1):c.654+10C>T

Gene: MEN1 (menin 1; minus strand). Cytogenetic location: 11q13.1.
Variant type: single nucleotide variant.
Coding change: c.654+10C>T on transcript NM_001370259.2 (MANE Select); 10 bases into the intron after coding-DNA position 654, C replaced by T.
Molecular consequence: intron variant.
Genome position (GRCh38, 1-based): chr11:64,807,881, G>A on the plus strand (C>T on the coding strand, the complement: MEN1 is on the minus strand). VCF-style: chr11-64807881-G-A. GRCh37 (hg19) VCF-style: chr11-64575353-G-A.
Other names: c.669+10C>T (NM_130804.3, NM_130803.3, NM_000244.4 and 3 more transcripts); c.654+10C>T (NM_130799.3, NM_001370260.2, NM_001370251.2 and 1 more transcripts); c.549+115C>T (NM_001370263.2, NM_001370262.2).
Identifiers: ClinVar variation 412570 (VCV000412570.11), dbSNP rs921850475, ClinGen allele CA16613630.

ClinVar aggregate classification (germline): Likely benign. Review status: criteria provided, multiple submitters, no conflicts (2 of 4 stars). 2 submissions from 2 submitters: Likely benign (2). Last evaluated 2025-03-15.

Conditions:
Multiple endocrine neoplasia, type 1 (MEN1). Also called: MEA I; MEN I; WERMER SYNDROME; Endocrine adenomatosis multiple; MEN 1. Identifiers: Orphanet 652, MedGen C0025267, MeSH D018761, MONDO:0007540, OMIM 131100.

Allele frequency attached by ClinVar (database versions not stated): TOPMed below 0.00001.
gnomAD v4.1: 5 of 1,613,910 alleles (0.00031%); highest among the groups gnomAD compares: Non-Finnish European, 0.00042%; no homozygotes.

Submissions (2):

Labcorp Genetics (formerly Invitae), Labcorp
Classification: Likely benign for Multiple endocrine neoplasia, type 1. Last evaluated: 2025-03-15. Review status: criteria provided, single submitter. Criteria: Invitae Variant Classification Sherloc (09022015). Collection method: clinical testing. Allele origin: germline.

Myriad Genetics, Inc.
Classification: Likely benign for Multiple endocrine neoplasia, type 1. Last evaluated: 2024-11-01. Review status: criteria provided, single submitter. Criteria: Myriad Autosomal Dominant, Autosomal Recessive and X-Linked Classification Criteria (2023). Collection method: clinical testing. Allele origin: unknown.
Comment: This variant is considered likely benign. This variant is intronic and is not expected to impact mRNA splicing.